The following is an entry in ClinVar:

NM_000059.4(BRCA2):c.7880T>A (p.Ile2627Asn)

Gene: BRCA2 (BRCA2 DNA repair associated; plus strand). Cytogenetic location: 13q13.1.
Variant type: single nucleotide variant.
Coding change: c.7880T>A on transcript NM_000059.4 (MANE Select); coding-DNA position 7880, T replaced by A.
Protein change: p.Ile2627Asn; replaces isoleucine 2627 with asparagine.
Molecular consequence: missense variant.
Genome position (GRCh38, 1-based): chr13:32,362,597, T>A. VCF-style: chr13-32362597-T-A. GRCh37 (hg19) VCF-style: chr13-32936734-T-A.
Other names: short protein forms I2627N.
Identifiers: ClinVar variation 230735 (VCV000230735.55), dbSNP rs876658736, ClinGen allele CA10579758.
Genomic context (GRCh38, chr13:32,362,597, plus strand): 5'-CTCCAGGTGTGGATCCAAAGCTTATTTCTAGAATTTGGGTTTATAATCACTATAGATGGA[T>A]CATATGGAAACTGGCAGCTATGGAATGTGCCTTTCCTAAGGAATTTGCTAATAGATGCCT-3'
Protein context (NP_000050.3, residues 2617-2637): RIWVYNHYRW[Ile2627Asn]IWKLAAMECA

ClinVar aggregate classification (germline): Likely pathogenic. Review status: criteria provided, multiple submitters, no conflicts (2 of 4 stars). 3 submissions from 3 submitters: Likely pathogenic (3). Last evaluated 2025-08-30.

Conditions:
Hereditary cancer-predisposing syndrome. Also called: Neoplastic Syndromes, Hereditary; Hereditary Cancer Syndrome; Tumor predisposition; Hereditary neoplastic syndrome. Identifiers: Orphanet 140162, MedGen C0027672, MeSH D009386, MONDO:0015356.
Hereditary breast ovarian cancer syndrome. Also called: BRCA1- and BRCA2-Associated Hereditary Breast and Ovarian Cancer; Hereditary breast and ovarian cancer syndrome (HBOC); Hereditary breast and ovarian cancer syndrome; Hereditary breast and ovarian cancer; Hereditary breast and/or ovarian cancer syndrome; Breast and ovarian cancer. Identifiers: Orphanet 145, MedGen C0677776, MeSH D061325, MONDO:0003582. Disease mechanism: loss of function.

Submissions (3):

Labcorp Genetics (formerly Invitae), Labcorp
Classification: Likely pathogenic for Hereditary breast ovarian cancer syndrome. Last evaluated: 2025-08-30. Review status: criteria provided, single submitter. Criteria: Invitae Variant Classification Sherloc (09022015). Collection method: clinical testing. Allele origin: germline.
Comment: This sequence change replaces isoleucine, which is neutral and non-polar, with asparagine, which is neutral and polar, at codon 2627 of the BRCA2 protein (p.Ile2627Asn). This variant is not present in population databases (gnomAD no frequency). This variant has not been reported in the literature in individuals affected with BRCA2-related conditions. ClinVar contains an entry for this variant (Variation ID: 230735). Invitae Evidence Modeling incorporating data from in vitro experimental studies (PMID: 33609447) indicates that this missense variant is expected to disrupt BRCA2 function with a positive predictive value of 95%. This variant disrupts the p.Ile2627 amino acid residue in BRCA2. Other variant(s) that disrupt this residue have been determined to be pathogenic (PMID: 18451181, 29335924, 29884841, 29988080). This suggests that this residue is clinically significant, and that variants that disrupt this residue are likely to be disease-causing. In summary, the currently available evidence indicates that the variant is pathogenic, but additional data are needed to prove that conclusively. Therefore, this variant has been classified as Likely Pathogenic.

Ambry Genetics
Classification: Likely pathogenic for Hereditary cancer-predisposing syndrome. Last evaluated: 2024-08-07. Review status: criteria provided, single submitter. Criteria: Ambry Variant Classification Scheme 2023. Collection method: clinical testing. Allele origin: germline.
Comment: The p.I2627N variant (also known as c.7880T>A), located in coding exon 16 of the BRCA2 gene, results from a T to A substitution at nucleotide position 7880. The isoleucine at codon 2627 is replaced by asparagine, an amino acid with dissimilar properties. This variant was non-functional in a homology-directed DNA repair (HDR) assay (Richardson ME et al. Am J Hum Genet, 2021 Mar;108:458-468). Another variant at the same codon, p.I2627F (c.7879A>T), was non-functional in a homology-directed DNA repair (HDR) assay (Hart SN et al. Genet Med. 2019 01;21:71-80). This amino acid position is well conserved in available vertebrate species. In addition, this alteration is predicted to be deleterious by in silico analysis. This variant is considered to be rare based on population cohorts in the Genome Aggregation Database (gnomAD). Based on the majority of available evidence to date, this variant is likely to be pathogenic.

CeGaT Center for Human Genetics Tuebingen
Classification: Likely pathogenic. Last evaluated: 2021-01-01. Review status: criteria provided, single submitter. Criteria: CeGaT Center For Human Genetics Tuebingen Variant Classification Criteria Version 2. Collection method: clinical testing. Allele origin: germline. Affected: yes. Observed: 1 variant allele.

Literature cited by the submitters: PubMed 33609447 (cited by Labcorp Genetics (formerly Invitae), Labcorp and Ambry Genetics); PubMed 18451181 (cited by Labcorp Genetics (formerly Invitae), Labcorp); PubMed 29335924 (cited by Labcorp Genetics (formerly Invitae), Labcorp); PubMed 29884841 (cited by Labcorp Genetics (formerly Invitae), Labcorp); PubMed 29988080 (cited by Labcorp Genetics (formerly Invitae), Labcorp); PubMed 17924331 (cited by Ambry Genetics).